The following is an entry in ClinVar:

ClinVar aggregate classification (germline): Conflicting classifications of pathogenicity. Review status: criteria provided, conflicting classifications (1 of 4 stars). 6 submissions from 6 submitters: Uncertain significance (4); Likely benign (1). 1 of the submissions does not count toward it. Last evaluated 2025-07-23.

Conditions:
Hereditary cancer-predisposing syndrome. Also called: Neoplastic Syndromes, Hereditary; Tumor predisposition; Hereditary neoplastic syndrome; Hereditary Cancer Syndrome. Identifiers: Orphanet 140162, MedGen C0027672, MeSH D009386, MONDO:0015356.
Hereditary breast ovarian cancer syndrome. Also called: Hereditary breast and ovarian cancer syndrome; Hereditary breast and ovarian cancer; Hereditary breast and ovarian cancer syndrome (HBOC); Breast and ovarian cancer; Hereditary breast and/or ovarian cancer syndrome; BRCA1- and BRCA2-Associated Hereditary Breast and Ovarian Cancer. Identifiers: Orphanet 145, MedGen C0677776, MeSH D061325, MONDO:0003582. Disease mechanism: loss of function.
BRCA2-related cancer predisposition. Identifiers: MedGen CN377758, MONDO:0700269.
Breast-ovarian cancer, familial, susceptibility to, 2 (BROVCA2). Also called: BRCA2 Hereditary Breast and Ovarian Cancer. Identifiers: Orphanet 145, MedGen C2675520, MONDO:0012933, OMIM 612555. Disease mechanism: loss of function.

gnomAD v4.1: 7 of 1,613,926 alleles (0.00043%); highest among the groups gnomAD compares: Non-Finnish European, 0.00059%; no homozygotes.

Submissions (6):

Labcorp Genetics (formerly Invitae), Labcorp
Classification: Uncertain significance for Hereditary breast ovarian cancer syndrome. Last evaluated: 2025-07-23. Review status: criteria provided, single submitter. Criteria: Invitae Variant Classification Sherloc (09022015). Collection method: clinical testing. Allele origin: germline.
Comment: This sequence change replaces proline, which is neutral and non-polar, with serine, which is neutral and polar, at codon 2800 of the BRCA2 protein (p.Pro2800Ser). This variant is not present in population databases (gnomAD no frequency). This missense change has been observed in individual(s) with prostate cancer (PMID: 31214711). ClinVar contains an entry for this variant (Variation ID: 52576). Invitae Evidence Modeling incorporating data from in vitro experimental studies (PMID: 33609447) indicates that this missense variant is not expected to disrupt BRCA2 function with a negative predictive value of 95%. Experimental studies have shown that this missense change does not substantially affect BRCA2 function (PMID: 29394989). In summary, the available evidence is currently insufficient to determine the role of this variant in disease. Therefore, it has been classified as a Variant of Uncertain Significance.

Center for Genomic Medicine, Rigshospitalet, Copenhagen University Hospital
Classification: Uncertain significance. Last evaluated: 2025-03-04. Review status: criteria provided, single submitter. Criteria: ACMG Guidelines, 2015. Collection method: clinical testing. Allele origin: germline.

All of Us Research Program, National Institutes of Health
Classification: Uncertain significance for BRCA2-related cancer predisposition. Last evaluated: 2024-03-05. Review status: criteria provided, single submitter. Criteria: ACMG Guidelines, 2015. Collection method: clinical testing. Allele origin: germline. Inheritance: Autosomal dominant inheritance. Observed: 1 variant allele, 1 heterozygote.
Comment: This missense variant replaces proline with serine at codon 2800 of the BRCA2 protein. Computational prediction suggests that this variant may have deleterious impact on protein structure and function (internally defined REVEL score threshold >= 0.7, PMID: 27666373). A functional study has reported that this variant has no impact on BRCA2 function in a homology-directed repair assay (PMID: 29884841). This variant has been reported in an individual affected with prostate cancer (PMID: 31214711). This variant has not been identified in the general population by the Genome Aggregation Database (gnomAD). The available evidence is insufficient to determine the role of this variant in disease conclusively. Therefore, this variant is classified as a Variant of Uncertain Significance.

This study involves interpretation of variants in research participants for the purpose of population health screening. Participant phenotype was not available at the time of variant classification. Additional details can be found in publication PMID: 35346344, PMCID: PMC8962531

Color Diagnostics, LLC DBA Color Health
Classification: Uncertain significance for Hereditary cancer-predisposing syndrome. Last evaluated: 2022-02-02. Review status: criteria provided, single submitter. Criteria: ACMG Guidelines, 2015. Collection method: clinical testing. Allele origin: germline.
Comment: This missense variant replaces proline with serine at codon 2800 of the BRCA2 protein. Computational prediction suggests that this variant may have deleterious impact on protein structure and function (internally defined REVEL score threshold >= 0.7, PMID: 27666373). A functional study has reported that this variant has no impact on BRCA2 function in a homology-directed repair assay (PMID: 29884841). This variant has been reported in an individual affected with prostate cancer (PMID: 31214711). This variant has not been identified in the general population by the Genome Aggregation Database (gnomAD). The available evidence is insufficient to determine the role of this variant in disease conclusively. Therefore, this variant is classified as a Variant of Uncertain Significance.

Ambry Genetics
Classification: Likely benign for Hereditary cancer-predisposing syndrome. Last evaluated: 2020-02-12. Review status: criteria provided, single submitter. Criteria: Ambry Variant Classification Scheme 2023. Collection method: clinical testing. Allele origin: germline.

Breast Cancer Information Core (BIC) (BRCA2)
Classification: Uncertain significance for Breast-ovarian cancer, familial 2. Last evaluated: 2007-01-18. Review status: no assertion criteria provided. Collection method: clinical testing. Allele origin: germline. Affected: yes. Observed: 1 variant allele. Not counted in ClinVar's aggregate classification.

Literature cited by the submitters: PubMed 31214711 (cited by 3 submitters); PubMed 33609447 (cited by Labcorp Genetics (formerly Invitae), Labcorp); PubMed 29394989 (cited by 3 submitters); PubMed 29884841 (cited by 3 submitters); PubMed 19043619 (cited by Ambry Genetics).

NM_000059.4(BRCA2):c.8398C>T (p.Pro2800Ser)

Gene: BRCA2 (BRCA2 DNA repair associated; plus strand). Cytogenetic location: 13q13.1.
Variant type: single nucleotide variant.
Coding change: c.8398C>T on transcript NM_000059.4 (MANE Select); coding-DNA position 8398, C replaced by T.
Protein change: p.Pro2800Ser; replaces proline 2800 with serine.
Molecular consequence: missense variant.
Genome position (GRCh38, 1-based): chr13:32,370,468, C>T. VCF-style: chr13-32370468-C-T. GRCh37 (hg19) VCF-style: chr13-32944605-C-T.
Other names: short protein forms P2800S.
Identifiers: ClinVar variation 52576 (VCV000052576.24), dbSNP rs80359086, ClinGen allele CA025626.